The following is an entry in ClinVar:

NM_006420.3(ARFGEF2):c.4003G>A (p.Glu1335Lys)

Gene: ARFGEF2 (ARF guanine nucleotide exchange factor 2; plus strand). Cytogenetic location: 20q13.13.
Variant type: single nucleotide variant.
Coding change: c.4003G>A on transcript NM_006420.3 (MANE Select); coding-DNA position 4003, G replaced by A.
Protein change: p.Glu1335Lys; replaces glutamic acid 1335 with lysine.
Molecular consequence: missense variant.
Genome position (GRCh38, 1-based): chr20:49,013,648, G>A. VCF-style: chr20-49013648-G-A. GRCh37 (hg19) VCF-style: chr20-47630185-G-A.
Other names: short protein forms E1335K.
Identifiers: ClinVar variation 392713 (VCV000392713.4), dbSNP rs374632843, ClinGen allele CA9899096.

ClinVar aggregate classification (germline): Uncertain significance (1 of 4 stars; one submission).

Allele frequency attached by ClinVar (database versions not stated): ExAC 0.00002; gnomAD 0.00001; ESP Exome Variant Server 0.00008; gnomAD exomes 0.00002; TOPMed 0.00002.
gnomAD v4.1: 32 of 1,613,948 alleles (0.002%); highest among the groups gnomAD compares: Non-Finnish European, 0.0025%; no homozygotes.

Submission:

GeneDx
Classification: Uncertain significance. Last evaluated: 2020-06-10. Review status: criteria provided, single submitter. Criteria: GeneDx Variant Classification Process June 2021. Collection method: clinical testing. Allele origin: germline. Affected: yes.
Comment: Not observed at a significant frequency in large population cohorts (Lek et al., 2016); In silico analysis supports that this missense variant has a deleterious effect on protein structure/function; Has not been previously published as pathogenic or benign to our knowledge